The following is an entry in ClinVar:

NM_001845.6(COL4A1):c.3198+9C>T

Gene: COL4A1 (collagen type IV alpha 1 chain; minus strand). Cytogenetic location: 13q34.
Variant type: single nucleotide variant.
Coding change: c.3198+9C>T on transcript NM_001845.6 (MANE Select); 9 bases into the intron after coding-DNA position 3198, C replaced by T.
Molecular consequence: intron variant.
Genome position (GRCh38, 1-based): chr13:110,175,209, G>A on the plus strand (C>T on the coding strand, the complement: COL4A1 is on the minus strand). VCF-style: chr13-110175209-G-A. GRCh37 (hg19) VCF-style: chr13-110827556-G-A.
Identifiers: ClinVar variation 3057696 (VCV003057696.4), dbSNP rs112120233, ClinGen allele CA7047362.

ClinVar aggregate classification (germline): Likely benign. Review status: criteria provided, multiple submitters, no conflicts (2 of 4 stars). 3 submissions from 3 submitters: Likely benign (2). 1 of the submissions does not count toward it. Last evaluated 2025-11-17.

Conditions:
COL4A1-related disorder. Also called: COL4A1-related condition; COL4A1-related disorders. Identifiers: MedGen CN376119, MONDO:0800461.

Allele frequency attached by ClinVar (database versions not stated): 1000 Genomes Project 30x 0.00016.
gnomAD v4.1: 79 of 1,614,184 alleles (0.0049%); highest among the groups gnomAD compares: East Asian, 0.016%; no homozygotes.

Submissions (3):

Labcorp Genetics (formerly Invitae), Labcorp
Classification: Likely benign. Last evaluated: 2025-11-17. Review status: criteria provided, single submitter. Criteria: Invitae Variant Classification Sherloc (09022015). Collection method: clinical testing. Allele origin: germline.

Blueprint Genetics
Classification: Likely benign. Last evaluated: 2023-08-31. Review status: criteria provided, single submitter. Criteria: ACMG Guidelines, 2015. Collection method: clinical testing. Allele origin: germline.

PreventionGenetics, part of Exact Sciences
Classification: Likely benign for COL4A1-related condition. Last evaluated: 2019-02-22. Review status: no assertion criteria provided. Collection method: clinical testing. Allele origin: germline. Not counted in ClinVar's aggregate classification.
Comment: This variant is classified as likely benign based on ACMG/AMP sequence variant interpretation guidelines (Richards et al. 2015 PMID: 25741868, with internal and published modifications).